The following is an entry in ClinVar:

ClinVar aggregate classification (germline): Uncertain significance (1 of 4 stars; one submission).

Conditions:
Perlman syndrome (PRLMNS). Identifiers: Orphanet 2849, MedGen C0796113, MONDO:0009965, OMIM 267000.

Allele frequency attached by ClinVar (database versions not stated): gnomAD exomes below 0.00001.
gnomAD v4.1: 1 of 1,614,074 alleles (0.000062%); highest among the groups gnomAD compares: African/African-American, 0.0013%; no homozygotes.

Submission:

Labcorp Genetics (formerly Invitae), Labcorp
Classification: Uncertain significance for Perlman syndrome. Last evaluated: 2021-09-01. Review status: criteria provided, single submitter. Criteria: Invitae Variant Classification Sherloc (09022015). Collection method: clinical testing. Allele origin: germline.
Comment: This sequence change replaces arginine with glycine at codon 263 of the DIS3L2 protein (p.Arg263Gly). The arginine residue is weakly conserved and there is a moderate physicochemical difference between arginine and glycine. This variant is not present in population databases (ExAC no frequency). This variant has not been reported in the literature in individuals affected with DIS3L2-related conditions. Algorithms developed to predict the effect of missense changes on protein structure and function (SIFT, PolyPhen-2, Align-GVGD) all suggest that this variant is likely to be tolerated. In summary, the available evidence is currently insufficient to determine the role of this variant in disease. Therefore, it has been classified as a Variant of Uncertain Significance.

NM_152383.5(DIS3L2):c.787A>G (p.Arg263Gly)

Gene: DIS3L2 (DIS3 like 3'-5' exoribonuclease 2; plus strand). Cytogenetic location: 2q37.1.
Variant type: single nucleotide variant.
Coding change: c.787A>G on transcript NM_152383.5 (MANE Select); coding-DNA position 787, A replaced by G.
Protein change: p.Arg263Gly; replaces arginine 263 with glycine.
Molecular consequence: missense variant. On other transcripts: non-coding transcript variant (1).
Genome position (GRCh38, 1-based): chr2:232,136,556, A>G. VCF-style: chr2-232136556-A-G. GRCh37 (hg19) VCF-style: chr2-233001266-A-G.
Other names: c.787A>G, p.Arg263Gly (NM_001257281.2); short protein forms R263G.
Identifiers: ClinVar variation 1063035 (VCV001063035.6), dbSNP rs2106355397, ClinGen allele CA351153588.